The following is an entry in ClinVar:

NM_020795.4(NLGN2):c.2101C>T (p.Arg701Trp)

Gene: NLGN2 (neuroligin 2; plus strand). Cytogenetic location: 17p13.1.
Variant type: single nucleotide variant.
Coding change: c.2101C>T on transcript NM_020795.4 (MANE Select); coding-DNA position 2101, C replaced by T.
Protein change: p.Arg701Trp; replaces arginine 701 with tryptophan.
Molecular consequence: missense variant.
Genome position (GRCh38, 1-based): chr17:7,417,392, C>T. VCF-style: chr17-7417392-C-T. GRCh37 (hg19) VCF-style: chr17-7320711-C-T.
Other names: short protein forms R701W.
Identifiers: ClinVar variation 3348202 (VCV003348202.1).
Genomic context (GRCh38, chr17:7,417,392, plus strand): 5'-GCCGTGGGTGCCTCCCTCCTCTTCCTCAACATCCTGGCCTTTGCTGCCCTCTACTACAAG[C>T]GGGACCGGCGGCAGGAGCTGCGGTGCAGGCGGCTTAGCCCACCTGGCGGCTCAGGCTCTG-3'
Protein context (NP_065846.1, residues 691-711): ILAFAALYYK[Arg701Trp]DRRQELRCRR

ClinVar aggregate classification (germline): Uncertain significance (0 of 4 stars; one submission).

Conditions:
NLGN2-related disorder. Also called: NLGN2-related condition.

gnomAD v4.1: 3 of 1,610,256 alleles (0.00019%); highest among the groups gnomAD compares: Non-Finnish European, 0.000085%; no homozygotes.

Submission:

PreventionGenetics, part of Exact Sciences
Classification: Uncertain significance for NLGN2-related condition. Last evaluated: 2024-05-01. Review status: no assertion criteria provided. Collection method: clinical testing. Allele origin: germline.
Comment: The NLGN2 c.2101C>T variant is predicted to result in the amino acid substitution p.Arg701Trp. To our knowledge, this variant has not been reported in the literature or in a large population database, indicating this variant is rare. At this time, the clinical significance of this variant is uncertain due to the absence of conclusive functional and genetic evidence.